The following is an entry in ClinVar:

NM_001429.4(EP300):c.3476_3501+41del

Gene: EP300 (E1A binding protein p300; plus strand). Cytogenetic location: 22q13.2.
Variant type: Deletion.
Coding change: c.3476_3501+41del on transcript NM_001429.4 (MANE Select); coding-DNA position 3476 through 41 bases into the intron after coding-DNA position 3501, 67 bases deleted.
Molecular consequence: splice donor variant.
Genome position (GRCh38, 1-based): chr22:41,157,383-41,157,449, 67 bases deleted. GRCh37 (hg19): chr22:41,553,387-41,553,453.
Other names: c.3398_3423+41del (NM_001362843.2).
Identifiers: ClinVar variation 3029051 (VCV003029051.2), dbSNP rs2517806728, ClinGen allele CA2740091982.

ClinVar aggregate classification (germline): Pathogenic (0 of 4 stars; one submission).

Conditions:
EP300-related disorder. Also called: EP300-related disorders; EP300-related condition.

Submission:

PreventionGenetics, part of Exact Sciences
Classification: Pathogenic for EP300-related condition. Last evaluated: 2023-10-27. Review status: no assertion criteria provided. Collection method: clinical testing. Allele origin: germline.
Comment: The EP300 c.3476_3501+41del67 variant is predicted to result in a frameshift and premature protein termination (p.Ser1159Ilefs*21). To our knowledge, this variant has not been reported in the literature or in a large population database, indicating this variant is rare. Frameshift variants in EP300 are expected to be pathogenic. This variant is interpreted as pathogenic.